The following is an entry in ClinVar:

NM_000083.3(CLCN1):c.922G>C (p.Ala308Pro)

Gene: CLCN1 (chloride voltage-gated channel 1; plus strand). Cytogenetic location: 7q34.
Variant type: single nucleotide variant.
Coding change: c.922G>C on transcript NM_000083.3 (MANE Select); coding-DNA position 922, G replaced by C.
Protein change: p.Ala308Pro; replaces alanine 308 with proline.
Molecular consequence: missense variant. On other transcripts: non-coding transcript variant (1).
Genome position (GRCh38, 1-based): chr7:143,330,840, G>C. VCF-style: chr7-143330840-G-C. GRCh37 (hg19) VCF-style: chr7-143027933-G-C.
Other names: short protein forms A308P.
Identifiers: ClinVar variation 531746 (VCV000531746.10), dbSNP rs1330549395, ClinGen allele CA369641632.

ClinVar aggregate classification (germline): Uncertain significance (1 of 4 stars; one submission).

Conditions:
Congenital myotonia, autosomal recessive form. Also called: Becker Generalized Myotonia; BECKER DISEASE; myotonia congenita, autosomal recessive. Identifiers: Orphanet 614, MedGen C0751360, MONDO:0009715, OMIM 255700.
Congenital myotonia, autosomal dominant form (THD). Also called: THOMSEN DISEASE; Myotonia congenita autosomal dominant. Identifiers: Orphanet 614, MedGen C2936781, MONDO:0008055, OMIM 160800.

Allele frequency attached by ClinVar (database versions not stated): gnomAD exomes below 0.00001 and 0.00001.
gnomAD v4.1: 1 of 1,614,178 alleles (0.000062%); highest among the groups gnomAD compares: Admixed American, 0.0017%; no homozygotes.

Submission:

Labcorp Genetics (formerly Invitae), Labcorp
Classification: Uncertain significance for Congenital myotonia, autosomal recessive form; Congenital myotonia, autosomal dominant form. Last evaluated: 2022-06-04. Review status: criteria provided, single submitter. Criteria: Invitae Variant Classification Sherloc (09022015). Collection method: clinical testing. Allele origin: germline.
Comment: Advanced modeling of protein sequence and biophysical properties (such as structural, functional, and spatial information, amino acid conservation, physicochemical variation, residue mobility, and thermodynamic stability) performed at Invitae indicates that this missense variant is expected to disrupt CLCN1 protein function. This sequence change replaces alanine, which is neutral and non-polar, with proline, which is neutral and non-polar, at codon 308 of the CLCN1 protein (p.Ala308Pro). This variant is present in population databases (no rsID available, gnomAD 0.006%). This variant has not been reported in the literature in individuals affected with CLCN1-related conditions. ClinVar contains an entry for this variant (Variation ID: 531746). In summary, the available evidence is currently insufficient to determine the role of this variant in disease. Therefore, it has been classified as a Variant of Uncertain Significance.